The following is an entry in ClinVar:

NM_004655.4(AXIN2):c.1196G>A (p.Arg399Gln)

Gene: AXIN2 (axin 2; minus strand). Cytogenetic location: 17q24.1.
Variant type: single nucleotide variant.
Coding change: c.1196G>A on transcript NM_004655.4 (MANE Select); coding-DNA position 1196, G replaced by A.
Protein change: p.Arg399Gln; replaces arginine 399 with glutamine.
Molecular consequence: missense variant.
Genome position (GRCh38, 1-based): chr17:65,538,207, C>T on the plus strand (G>A on the coding strand, the complement: AXIN2 is on the minus strand). VCF-style: chr17-65538207-C-T. GRCh37 (hg19) VCF-style: chr17-63534325-C-T.
Other names: c.1196G>A (LRG_296t1); c.1196G>A, p.Arg399Gln (NM_001363813.1); short protein forms R399Q.
Identifiers: ClinVar variation 421515 (VCV000421515.20), dbSNP rs765865516, ClinGen allele CA8718837.

ClinVar aggregate classification (germline): Uncertain significance. Review status: criteria provided, multiple submitters, no conflicts (2 of 4 stars). 5 submissions from 5 submitters: Uncertain significance (5). Last evaluated 2025-12-19.

Conditions:
Colorectal cancer. Also called: Malignant Colorectal Neoplasm; Colorectal cancer, somatic. Identifiers: MedGen C0346629, MONDO:0005575, OMIM 114500.
Oligodontia-cancer predisposition syndrome. Also called: TOOTH AGENESIS-COLORECTAL CANCER SYNDROME. Identifiers: Orphanet 300576, MedGen C1837750, MONDO:0012075, OMIM 608615. Disease mechanism: loss of function.
Hereditary cancer-predisposing syndrome. Also called: Hereditary neoplastic syndrome; Neoplastic Syndromes, Hereditary; Tumor predisposition; Hereditary Cancer Syndrome. Identifiers: Orphanet 140162, MedGen C0027672, MeSH D009386, MONDO:0015356.

Allele frequency attached by ClinVar (database versions not stated): gnomAD exomes below 0.00001; ExAC 0.00001.
gnomAD v4.1: 4 of 1,614,248 alleles (0.00025%); highest among the groups gnomAD compares: Non-Finnish European, 0.00025%; no homozygotes.

Submissions (5):

Labcorp Genetics (formerly Invitae), Labcorp
Classification: Uncertain significance for Oligodontia-cancer predisposition syndrome. Last evaluated: 2025-12-19. Review status: criteria provided, single submitter. Criteria: Invitae Variant Classification Sherloc (09022015). Collection method: clinical testing. Allele origin: germline.
Comment: This sequence change replaces arginine, which is basic and polar, with glutamine, which is neutral and polar, at codon 399 of the AXIN2 protein (p.Arg399Gln). This variant is present in population databases (rs765865516, gnomAD 0.0009%). This variant has not been reported in the literature in individuals affected with AXIN2-related conditions. ClinVar contains an entry for this variant (Variation ID: 421515). Invitae Evidence Modeling of protein sequence and biophysical properties (such as structural, functional, and spatial information, amino acid conservation, physicochemical variation, residue mobility, and thermodynamic stability) indicates that this missense variant is not expected to disrupt AXIN2 protein function with a negative predictive value of 80%. In summary, the available evidence is currently insufficient to determine the role of this variant in disease. Therefore, it has been classified as a Variant of Uncertain Significance.

Ambry Genetics
Classification: Uncertain significance for Hereditary cancer-predisposing syndrome. Last evaluated: 2025-11-02. Review status: criteria provided, single submitter. Criteria: Ambry Variant Classification Scheme 2023. Collection method: clinical testing. Allele origin: germline.
Comment: The p.R399Q variant (also known as c.1196G>A), located in coding exon 4 of the AXIN2 gene, results from a G to A substitution at nucleotide position 1196. The arginine at codon 399 is replaced by glutamine, an amino acid with highly similar properties. This amino acid position is not well conserved in available vertebrate species. In addition, this alteration is predicted to be tolerated by in silico analysis. Since supporting evidence is limited at this time, the clinical significance of this alteration remains unclear.

Quest Diagnostics Nichols Institute San Juan Capistrano
Classification: Uncertain significance. Last evaluated: 2025-02-05. Review status: criteria provided, single submitter. Criteria: Quest Diagnostics criteria. Collection method: clinical testing. Allele origin: unknown.
Comment: The BRCA2 c.4307T>C (p.Ile1436Thr) variant has not been reported in individuals with BRCA2-related conditions in the published literature. The frequency of this variant in the general population (Genome Aggregation Database) is uninformative in the assessment of its pathogenicity. Analysis of this variant using bioinformatics tools for the prediction of the effect of amino acid changes on protein structure and function yielded predictions that this variant is benign. Based on the available information, we are unable to determine the clinical significance of this variant.

GeneDx
Classification: Uncertain significance. Last evaluated: 2024-04-30. Review status: criteria provided, single submitter. Criteria: GeneDx Variant Classification Process June 2021. Collection method: clinical testing. Allele origin: germline. Affected: yes.
Comment: Not observed at significant frequency in large population cohorts (gnomAD); In silico analysis indicates that this missense variant does not alter protein structure/function; Has not been previously published as pathogenic or benign to our knowledge; This variant is associated with the following publications: (PMID: 22980975, 15735151)

Baylor Genetics
Classification: Uncertain significance for Colorectal cancer. Last evaluated: 2023-12-15. Review status: criteria provided, single submitter. Criteria: ACMG Guidelines, 2015. Collection method: clinical testing. Allele origin: unknown.